The following is an entry in ClinVar:

ClinVar aggregate classification (germline): Likely benign (1 of 4 stars; one submission).

Submission:

CeGaT Center for Human Genetics Tuebingen
Classification: Likely benign. Last evaluated: 2022-06-01. Review status: criteria provided, single submitter. Criteria: CeGaT Center For Human Genetics Tuebingen Variant Classification Criteria Version 2. Collection method: clinical testing. Allele origin: germline. Affected: yes. Observed: 1 variant allele.
Comment: MUC4: BP4, BP7

NM_018406.7(MUC4):c.10620C>T (p.Thr3540=)

Gene: MUC4 (mucin 4, cell surface associated). Cytogenetic location: 3q29.
Variant type: single nucleotide variant.
Coding change: c.10620C>T on transcript NM_018406.7 (MANE Select); coding-DNA position 10620, C replaced by T.
Protein change: p.Thr3540=; no amino-acid change (threonine 3540 retained).
Molecular consequence: synonymous variant. On other transcripts: genic upstream transcript variant (2).
Genome position (GRCh38, 1-based): chr3:195,780,960, G>A on the plus strand (C>T on the coding strand, the complement: MUC4 is on the minus strand). VCF-style: chr3-195780960-G-A. GRCh37 (hg19) VCF-style: chr3-195507831-G-A.
Other names: c.15390C>T, p.Thr5130= (NM_001322468.1); c.83-6655C>T (NM_138297.5); c.83-2505C>T (NM_004532.6).
Identifiers: ClinVar variation 2654420 (VCV002654420.24), dbSNP rs747042645, ClinGen allele CA438037504.